The following is an entry in ClinVar:

ClinVar aggregate classification (germline): Conflicting classifications of pathogenicity. Review status: criteria provided, conflicting classifications (1 of 4 stars). 5 submissions from 5 submitters: Uncertain significance (4); Benign (1). Last evaluated 2026-04-13.

Conditions:
Inborn genetic diseases. Identifiers: MedGen C0950123, MeSH D030342.
COL11A1-related disorder. Also called: COL11A1-related disorders; COL11A1-related condition.
Marshall syndrome (MRSHS). Identifiers: Orphanet 560, MedGen C0265235, MONDO:0007949, OMIM 154780.
Stickler syndrome type 2 (STL2). Also called: STICKLER SYNDROME, TYPE II; COL11A1-Related Stickler Syndrome; STICKLER SYNDROME, BEADED VITREOUS TYPE; STICKLER SYNDROME, VITREOUS TYPE 2. Identifiers: Orphanet 828, Orphanet 90654, MedGen C1858084, MONDO:0011493, OMIM 604841.
Fibrochondrogenesis. Identifiers: Orphanet 2021, MedGen C0265282, MONDO:0016068.
Hearing loss, autosomal dominant 37. Also called: DEAFNESS, AUTOSOMAL DOMINANT 37. Identifiers: MedGen C4760307, MONDO:0032802, OMIM 618533.

Allele frequency attached by ClinVar (database versions not stated): gnomAD exomes 0.00003 and 0.00007; ExAC 0.00006; ESP Exome Variant Server 0.00008; gnomAD 0.00011 and 0.00012; TOPMed 0.00013; 1000 Genomes Project 30x 0.00016; 1000 Genomes Project 0.00020.

Submissions (5):

PreventionGenetics, part of Exact Sciences
Classification: Uncertain significance for COL11A1-related condition. Last evaluated: 2026-04-13. Review status: criteria provided, single submitter. Criteria: ACMG Guidelines, 2015. Collection method: clinical testing. Allele origin: germline.
Comment: The COL11A1 c.907G>A variant is predicted to result in the amino acid substitution p.Val303Ile. To our knowledge, this variant has not been reported in the literature. This variant is reported in 0.040% of alleles in individuals of Latino descent in gnomAD. At this time, the clinical significance of this variant is uncertain due to the absence of conclusive functional and genetic evidence.

Labcorp Genetics (formerly Invitae), Labcorp
Classification: Benign. Last evaluated: 2026-01-21. Review status: criteria provided, single submitter. Criteria: Invitae Variant Classification Sherloc (09022015). Collection method: clinical testing. Allele origin: germline.

GeneDx
Classification: Uncertain significance. Last evaluated: 2026-01-09. Review status: criteria provided, single submitter. Criteria: GeneDx Variant Classification Process June 2021. Collection method: clinical testing. Allele origin: germline. Affected: yes.
Comment: In silico analysis suggests that this missense variant does not alter protein structure/function; Not located in the triple helical region, where the majority of pathogenic missense variants occur (PMID: 25240749); Has not been previously published as pathogenic or benign to our knowledge; This variant is associated with the following publications: (PMID: 25240749)

Ambry Genetics
Classification: Uncertain significance for Inborn genetic diseases. Last evaluated: 2025-05-16. Review status: criteria provided, single submitter. Criteria: Ambry Variant Classification Scheme 2023. Collection method: clinical testing. Allele origin: germline.

Women's Health and Genetics/Laboratory Corporation of America, LabCorp
Classification: Uncertain significance. Last evaluated: 2023-12-18. Review status: criteria provided, single submitter. Criteria: LabCorp Variant Classification Summary - May 2015. Collection method: clinical testing. Allele origin: germline.
Comment: Variant summary: COL11A1 c.907G>A (p.Val303Ile) results in a conservative amino acid change in the encoded protein sequence. Four of five in-silico tools predict a benign effect of the variant on protein function. The variant allele was found at a frequency of 7.2e-05 in 251118 control chromosomes. To our knowledge, no occurrence of c.907G>A in individuals affected with Stickler Syndrome and no experimental evidence demonstrating its impact on protein function have been reported. Three submitters have cited clinical-significance assessments for this variant to ClinVar after 2014, classifying the variant as uncertain significance (n=2) or likely benign(n=1). Based on the evidence outlined above, the variant was classified as uncertain significance.

NM_001854.4(COL11A1):c.907G>A (p.Val303Ile)

Gene: COL11A1 (collagen type XI alpha 1 chain; minus strand). Cytogenetic location: 1p21.1.
Variant type: single nucleotide variant.
Coding change: c.907G>A on transcript NM_001854.4 (MANE Select); coding-DNA position 907, G replaced by A.
Protein change: p.Val303Ile; replaces valine 303 with isoleucine.
Molecular consequence: missense variant. On other transcripts: non-coding transcript variant (1), intron variant (1).
Genome position (GRCh38, 1-based): chr1:103,025,604, C>T on the plus strand (G>A on the coding strand, the complement: COL11A1 is on the minus strand). VCF-style: chr1-103025604-C-T. GRCh37 (hg19) VCF-style: chr1-103491160-C-T.
Other names: c.790G>A, p.Val264Ile (NM_001190709.2); c.943G>A, p.Val315Ile (NM_080629.3); c.897+612G>A (NM_080630.4); short protein forms V264I, V303I, V315I.
Identifiers: ClinVar variation 1021355 (VCV001021355.19), dbSNP rs369925361, ClinGen allele CA975196.